The following is an entry in ClinVar:

ClinVar aggregate classification (germline): Uncertain significance (1 of 4 stars; one submission).

Conditions:
Inborn genetic diseases. Identifiers: MedGen C0950123, MeSH D030342.

gnomAD v4.1: 2 of 1,613,810 alleles (0.00012%); highest among the groups gnomAD compares: South Asian, 0.0011%; no homozygotes.

Submission:

Ambry Genetics
Classification: Uncertain significance for Inborn genetic diseases. Last evaluated: 2025-01-27. Review status: criteria provided, single submitter. Criteria: Ambry Variant Classification Scheme 2023. Collection method: clinical testing. Allele origin: germline.
Comment: The p.L293F variant (also known as c.879A>C), located in coding exon 1 of the SAMD9 gene, results from an A to C substitution at nucleotide position 879. The leucine at codon 293 is replaced by phenylalanine, an amino acid with highly similar properties. This amino acid position is conserved. In addition, this alteration is predicted to be tolerated by in silico analysis. Based on the available evidence, the clinical significance of this variant remains unclear.

NM_017654.4(SAMD9):c.879A>C (p.Leu293Phe)

Gene: SAMD9 (sterile alpha motif domain containing 9; minus strand). Cytogenetic location: 7q21.2.
Variant type: single nucleotide variant.
Coding change: c.879A>C on transcript NM_017654.4 (MANE Select); coding-DNA position 879, A replaced by C.
Protein change: p.Leu293Phe; replaces leucine 293 with phenylalanine.
Molecular consequence: missense variant.
Genome position (GRCh38, 1-based): chr7:93,105,219, T>G on the plus strand (A>C on the coding strand, the complement: SAMD9 is on the minus strand). VCF-style: chr7-93105219-T-G. GRCh37 (hg19) VCF-style: chr7-92734532-T-G.
Other names: c.879A>C, p.Leu293Phe (NM_001193307.2); short protein forms L293F.
Identifiers: ClinVar variation 3792025 (VCV003792025.1).
Genomic context (GRCh38, chr7:93,105,219, plus strand): 5'-GAACTGTGGAATAATGTCCACTTCAATAACAAATCTGTCAGATAGAGTACTATTTGGCAG[T>G]AAAACTTCCACAAATCTTGGCTCTCGAATGCACTTCTTTGCTTGTTGGACTTGATGGTCT-3'
Protein context (NP_060124.2, residues 283-303): CIREPRFVEV[Leu293Phe]LPNSTLSDRF